The following is an entry in ClinVar:

NM_000138.5(FBN1):c.4154G>T (p.Gly1385Val)

Gene: FBN1 (fibrillin 1; minus strand). Cytogenetic location: 15q21.1.
Variant type: single nucleotide variant.
Coding change: c.4154G>T on transcript NM_000138.5 (MANE Select); coding-DNA position 4154, G replaced by T.
Protein change: p.Gly1385Val; replaces glycine 1385 with valine.
Molecular consequence: missense variant.
Genome position (GRCh38, 1-based): chr15:48,474,311, C>A on the plus strand (G>T on the coding strand, the complement: FBN1 is on the minus strand). VCF-style: chr15-48474311-C-A. GRCh37 (hg19) VCF-style: chr15-48766508-C-A.
Other names: short protein forms G1385V.
Identifiers: ClinVar variation 1171589 (VCV001171589.3), dbSNP rs2141279776, ClinGen allele CA392320202.

ClinVar aggregate classification (germline): Uncertain significance (1 of 4 stars; one submission).

Conditions:
Familial thoracic aortic aneurysm and aortic dissection (TAAD). Also called: Thoracic aortic aneurysms and dissections. Identifiers: Orphanet 91387, MedGen C4707243, MONDO:0019625.

Submission:

Color Diagnostics, LLC DBA Color Health
Classification: Uncertain significance for Familial thoracic aortic aneurysm and aortic dissection. Last evaluated: 2024-03-06. Review status: criteria provided, single submitter. Criteria: ACMG Guidelines, 2015. Collection method: clinical testing. Allele origin: germline.
Comment: This missense variant replaces glycine with valine at codon 1385 of the FBN1 protein. Computational prediction suggests that this variant may have deleterious impact on protein structure and function (internally defined REVEL score threshold >= 0.7, PMID: 27666373). To our knowledge, functional studies have not been reported for this variant. This variant has not been reported in individuals affected with cardiovascular disorders in the literature. This variant has not been identified in the general population by the Genome Aggregation Database (gnomAD). The available evidence is insufficient to determine the role of this variant in disease conclusively. Therefore, this variant is classified as a Variant of Uncertain Significance.